The following is an entry in ClinVar:

ClinVar aggregate classification (germline): Uncertain significance (1 of 4 stars; one submission).

Submission:

Labcorp Genetics (formerly Invitae), Labcorp
Classification: Uncertain significance. Last evaluated: 2024-04-25. Review status: criteria provided, single submitter. Criteria: Invitae Variant Classification Sherloc (09022015). Collection method: clinical testing. Allele origin: germline.
Comment: This sequence change replaces arginine, which is basic and polar, with lysine, which is basic and polar, at codon 49 of the COL4A6 protein (p.Arg49Lys). This variant is not present in population databases (gnomAD no frequency). This variant has not been reported in the literature in individuals affected with COL4A6-related conditions. Experimental studies and prediction algorithms are not available or were not evaluated, and the functional significance of this variant is currently unknown. In summary, the available evidence is currently insufficient to determine the role of this variant in disease. Therefore, it has been classified as a Variant of Uncertain Significance.

NM_033641.4(COL4A6):c.143G>A (p.Arg48Lys)

Gene: COL4A6 (collagen type IV alpha 6 chain; minus strand). Cytogenetic location: Xq22.3.
Variant type: single nucleotide variant.
Coding change: c.143G>A on transcript NM_033641.4 (MANE Select); coding-DNA position 143, G replaced by A.
Protein change: p.Arg48Lys; replaces arginine 48 with lysine.
Molecular consequence: missense variant.
Genome position (GRCh38, 1-based): chrX:108,310,749, C>T on the plus strand (G>A on the coding strand, the complement: COL4A6 is on the minus strand). VCF-style: chrX-108310749-C-T. GRCh37 (hg19) VCF-style: chrX-107553979-C-T.
Other names: c.143G>A, p.Arg48Lys (NM_001287759.2, NM_001287760.2, NM_001287758.2); c.146G>A, p.Arg49Lys (NM_001847.4); short protein forms R49K, R48K.
Identifiers: ClinVar variation 3705989 (VCV003705989.2).
Genomic context (GRCh38, chrX:108,310,749, plus strand): 5'-AAACAGATAACAGCTCCCATGCCACTATTTGTCTTTCAACAATGAAATAAGCAACTTACT[C>T]TCGCTCCTTTCTCAGGAAAACACTGACAGCTCCCACTGCAGTCCTGGCCCCCACATGGCT-3'
Protein context (NP_378667.1, residues 38-58): SCQCFPEKGA[Arg48Lys]GRPGPIGIQG